The following is an entry in ClinVar:

ClinVar aggregate classification (germline): Benign/Likely benign. Review status: criteria provided, multiple submitters, no conflicts (2 of 4 stars). 5 submissions from 5 submitters: Benign (1); Likely benign (4). Last evaluated 2025-05-05.

Conditions:
Hereditary cancer-predisposing syndrome. Also called: Hereditary neoplastic syndrome; Tumor predisposition; Neoplastic Syndromes, Hereditary; Hereditary Cancer Syndrome. Identifiers: Orphanet 140162, MedGen C0027672, MeSH D009386, MONDO:0015356.
Hereditary diffuse gastric adenocarcinoma (HDGC). Also called: DIFFUSE GASTRIC AND LOBULAR BREAST CANCER SYNDROME. Identifiers: Orphanet 26106, MedGen C1708349, MONDO:0007648, OMIM 137215.

Allele frequency attached by ClinVar (database versions not stated): gnomAD 0.00001; TOPMed 0.00001.
gnomAD v4.1: 1 of 1,614,004 alleles (0.000062%); highest among the groups gnomAD compares: African/African-American, 0.0013%; no homozygotes.

Submissions (5):

Labcorp Genetics (formerly Invitae), Labcorp
Classification: Likely benign for Hereditary diffuse gastric adenocarcinoma. Last evaluated: 2025-05-05. Review status: criteria provided, single submitter. Criteria: Invitae Variant Classification Sherloc (09022015). Collection method: clinical testing. Allele origin: germline.

Myriad Genetics, Inc.
Classification: Benign for Hereditary diffuse gastric adenocarcinoma. Last evaluated: 2024-09-12. Review status: criteria provided, single submitter. Criteria: Myriad Autosomal Dominant, Autosomal Recessive and X-Linked Classification Criteria (2023). Collection method: clinical testing. Allele origin: unknown.
Comment: This variant is considered benign. This variant is a silent/synonymous amino acid change and it is not expected to impact splicing.

Ambry Genetics
Classification: Likely benign for Hereditary cancer-predisposing syndrome. Last evaluated: 2018-08-24. Review status: criteria provided, single submitter. Criteria: Ambry Variant Classification Scheme 2023. Collection method: clinical testing. Allele origin: germline.

Color Diagnostics, LLC DBA Color Health
Classification: Likely benign for Hereditary cancer-predisposing syndrome. Last evaluated: 2017-11-01. Review status: criteria provided, single submitter. Criteria: ACMG Guidelines, 2015. Collection method: clinical testing. Allele origin: germline.

GeneDx
Classification: Likely benign. Last evaluated: 2016-01-21. Review status: criteria provided, single submitter. Criteria: GeneDx Variant Classification (06012015). Collection method: clinical testing. Allele origin: germline. Affected: yes.
Comment: This variant is considered likely benign or benign based on one or more of the following criteria: it is a conservative change, it occurs at a poorly conserved position in the protein, it is predicted to be benign by multiple in silico algorithms, and/or has population frequency not consistent with disease.

NM_004360.5(CDH1):c.270G>C (p.Arg90=)

Gene: CDH1 (cadherin 1; plus strand). Cytogenetic location: 16q22.1.
Variant type: single nucleotide variant.
Coding change: c.270G>C on transcript NM_004360.5 (MANE Select); coding-DNA position 270, G replaced by C.
Protein change: p.Arg90=; no amino-acid change (arginine 90 retained).
Molecular consequence: synonymous variant. On other transcripts: 5 prime UTR variant (2).
Genome position (GRCh38, 1-based): chr16:68,801,776, G>C. VCF-style: chr16-68801776-G-C. GRCh37 (hg19) VCF-style: chr16-68835679-G-C.
Other names: c.270G>C (LRG_301t1); c.-1550G>C (NM_001317186.2); c.270G>C, p.Arg90= (NM_001317184.2); c.-1346G>C (NM_001317185.2).
Identifiers: ClinVar variation 383339 (VCV000383339.18), dbSNP rs777822181, ClinGen allele CA8129821.